The following is an entry in ClinVar:

ClinVar aggregate classification (germline): Likely benign (1 of 4 stars; one submission).

Allele frequency attached by ClinVar (database versions not stated): 1000 Genomes Project 0.00459; 1000 Genomes Project 30x 0.00468; TOPMed 0.01204; gnomAD 0.01304 and 0.01360.
gnomAD v4.1: 11,631 of 776,802 alleles (1.5%); highest among the groups gnomAD compares: Non-Finnish European, 2%; 149 homozygotes.

Submission:

GeneDx
Classification: Likely benign. Last evaluated: 2018-06-14. Review status: criteria provided, single submitter. Criteria: GeneDx Variant Classification (06012015). Collection method: clinical testing. Allele origin: germline. Affected: yes.
Comment: This variant is considered likely benign or benign based on one or more of the following criteria: it is a conservative change, it occurs at a poorly conserved position in the protein, it is predicted to be benign by multiple in silico algorithms, and/or has population frequency not consistent with disease.

NM_004588.5(SCN2B):c.449-151G>T

Gene: SCN2B (sodium voltage-gated channel beta subunit 2; minus strand). Cytogenetic location: 11q23.3.
Variant type: single nucleotide variant.
Coding change: c.449-151G>T on transcript NM_004588.5 (MANE Select); 151 bases into the intron before coding-DNA position 449, G replaced by T.
Molecular consequence: intron variant.
Genome position (GRCh38, 1-based): chr11:118,167,237, C>A on the plus strand (G>T on the coding strand, the complement: SCN2B is on the minus strand). VCF-style: chr11-118167237-C-A. GRCh37 (hg19) VCF-style: chr11-118037952-C-A.
Identifiers: ClinVar variation 674741 (VCV000674741.1), dbSNP rs78038962, ClinGen allele CA229506120.